The following is an entry in ClinVar:

ClinVar aggregate classification (germline): Pathogenic (1 of 4 stars; one submission).

Conditions:
Seizures, benign familial infantile, 3 (BFIS3). Also called: CONVULSIONS, BENIGN FAMILIAL INFANTILE, 3; Familial neonatal seizures. Identifiers: Orphanet 140927, Orphanet 306, MedGen C1843140, MONDO:0011904, OMIM 607745.
Developmental and epileptic encephalopathy, 11 (DEE11). Also called: Early infantile epileptic encephalopathy 11. Identifiers: Orphanet 1934, MedGen C3150987, MONDO:0013388, OMIM 613721.

Submission:

Labcorp Genetics (formerly Invitae), Labcorp
Classification: Pathogenic for Seizures, benign familial infantile, 3; Developmental and epileptic encephalopathy, 11. Last evaluated: 2023-01-13. Review status: criteria provided, single submitter. Criteria: Invitae Variant Classification Sherloc (09022015). Collection method: clinical testing. Allele origin: germline.
Comment: For these reasons, this variant has been classified as Pathogenic. Algorithms developed to predict the effect of sequence changes on RNA splicing suggest that this variant may disrupt the consensus splice site. This variant has not been reported in the literature in individuals affected with SCN2A-related conditions. This variant is not present in population databases (gnomAD no frequency). This sequence change creates a premature translational stop signal (p.Tyr362*) in the SCN2A gene. It is expected to result in an absent or disrupted protein product. Loss-of-function variants in SCN2A are known to be pathogenic (PMID: 28379373).

Literature cited by the submitters: PubMed 28379373.

NM_001040142.2(SCN2A):c.1086T>A (p.Tyr362Ter)

Gene: SCN2A (sodium voltage-gated channel alpha subunit 2; plus strand). Cytogenetic location: 2q24.3.
Variant type: single nucleotide variant.
Coding change: c.1086T>A on transcript NM_001040142.2 (MANE Select); coding-DNA position 1086, T replaced by A.
Protein change: p.Tyr362Ter; replaces tyrosine 362 with a stop codon.
Molecular consequence: nonsense.
Genome position (GRCh38, 1-based): chr2:165,313,671, T>A. VCF-style: chr2-165313671-T-A. GRCh37 (hg19) VCF-style: chr2-166170181-T-A.
Other names: c.1086T>A, p.Tyr362Ter (NM_001040143.2, NM_001371246.1, NM_001371247.1 and 1 more transcripts); short protein forms Y362*.
Identifiers: ClinVar variation 2943147 (VCV002943147.3), dbSNP rs145226312, ClinGen allele CA349020569.